The following is an entry in ClinVar:

NM_001201543.2(FAM161A):c.1873_1876del (p.Glu625fs)

Gene: FAM161A (FAM161 centrosomal protein A; minus strand). Cytogenetic location: 2p15.
Variant type: Deletion.
Coding change: c.1873_1876del on transcript NM_001201543.2 (MANE Select); coding-DNA positions 1873 to 1876, 4 bases deleted (GAAA; older notation c.1873_1876delGAAA).
Protein change: p.Glu625fs; shifts the reading frame from glutamic acid 625.
Molecular consequence: frameshift variant. On other transcripts: non-coding transcript variant (1).
Genome position (GRCh38, 1-based): chr2:61,827,234-61,827,237, TTTC deleted on the plus strand (GAAA on the coding strand, the reverse complement: FAM161A is on the minus strand); deleting any 4 consecutive bases within chr2:61,827,234-61,827,238 gives the same sequence; the c. name uses the placement nearest the transcript's 3' end. VCF-style (leftmost placement, unchanged base first): chr2-61827233-TTTTC-T. GRCh37 (hg19) VCF-style: chr2-62054368-TTTTC-T.
Other names: c.1705_1708del, p.Glu569fs (NM_032180.3); short protein forms E569fs, E625fs.
Identifiers: ClinVar variation 2833100 (VCV002833100.3), dbSNP rs2465985074, ClinGen allele CA2739274463.

ClinVar aggregate classification (germline): Pathogenic (1 of 4 stars; one submission).

Submission:

Labcorp Genetics (formerly Invitae), Labcorp
Classification: Pathogenic. Last evaluated: 2023-04-14. Review status: criteria provided, single submitter. Criteria: Invitae Variant Classification Sherloc (09022015). Collection method: clinical testing. Allele origin: germline.
Comment: For these reasons, this variant has been classified as Pathogenic. This variant has not been reported in the literature in individuals affected with FAM161A-related conditions. This variant is not present in population databases (gnomAD no frequency). This sequence change creates a premature translational stop signal (p.Glu625Serfs*7) in the FAM161A gene. It is expected to result in an absent or disrupted protein product. Loss-of-function variants in FAM161A are known to be pathogenic (PMID: 20705278, 20705279, 24651477).

Literature cited by the submitters: PubMed 20705278; PubMed 20705279; PubMed 24651477.